The following is an entry in ClinVar:

NM_000051.4(ATM):c.4961T>G (p.Leu1654Ter)

Gene: ATM (ATM serine/threonine kinase; plus strand). Cytogenetic location: 11q22.3.
Variant type: single nucleotide variant.
Coding change: c.4961T>G on transcript NM_000051.4 (MANE Select); coding-DNA position 4961, T replaced by G.
Protein change: p.Leu1654Ter; replaces leucine 1654 with a stop codon.
Molecular consequence: nonsense.
Genome position (GRCh38, 1-based): chr11:108,297,338, T>G. VCF-style: chr11-108297338-T-G. GRCh37 (hg19) VCF-style: chr11-108168065-T-G.
Other names: c.4961T>G, p.Leu1654Ter (NM_001351834.2); short protein forms L1654*.
Identifiers: ClinVar variation 3148036 (VCV003148036.2), dbSNP rs587781679, ClinGen allele CA382538337.

ClinVar aggregate classification (germline): Pathogenic/Likely pathogenic. Review status: criteria provided, multiple submitters, no conflicts (2 of 4 stars). 2 submissions from 2 submitters: Pathogenic (1); Likely pathogenic (1). Last evaluated 2024-01-25.

Conditions:
Familial cancer of breast. Also called: BREAST CANCER, FAMILIAL; Hereditary breast cancer; hereditary breast carcinoma. Identifiers: Orphanet 227535, MedGen C0346153, MONDO:0016419, OMIM 114480. Disease mechanism: loss of function.

Submissions (2):

Myriad Genetics, Inc.
Classification: Pathogenic for Familial cancer of breast. Last evaluated: 2024-01-25. Review status: criteria provided, single submitter. Criteria: Myriad Autosomal Dominant, Autosomal Recessive and X-Linked Classification Criteria (2023). Collection method: clinical testing. Allele origin: unknown.
Comment: This variant is considered pathogenic. This variant creates a termination codon and is predicted to result in premature protein truncation.

Baylor Genetics
Classification: Likely pathogenic for Familial cancer of breast. Last evaluated: 2023-11-27. Review status: criteria provided, single submitter. Criteria: ACMG Guidelines, 2015. Collection method: clinical testing. Allele origin: unknown.